The following is an entry in ClinVar:

NM_005589.4(ALDH6A1):c.1307A>G (p.Gln436Arg)

Genes: ALDH6A1 (aldehyde dehydrogenase 6 family member A1; minus strand), BBOF1 (basal body orientation factor 1; plus strand). Cytogenetic location: 14q24.3.
Variant type: single nucleotide variant.
Coding change: c.1307A>G on transcript NM_005589.4 (MANE Select); coding-DNA position 1307, A replaced by G.
Protein change: p.Gln436Arg; replaces glutamine 436 with arginine.
Molecular consequence: missense variant. On other transcripts: 3 prime UTR variant (1).
Genome position (GRCh38, 1-based): chr14:74,065,278, T>C on the plus strand (A>G on the coding strand, the complement: ALDH6A1 is on the minus strand). VCF-style: chr14-74065278-T-C. GRCh37 (hg19) VCF-style: chr14-74531981-T-C.
Other names: c.1268A>G, p.Gln423Arg (NM_001278593.2); c.845A>G, p.Gln282Arg (NM_001278594.2); c.*579T>C (NM_025057.3); short protein forms Q436R, Q282R, Q423R.
Identifiers: ClinVar variation 1033011 (VCV001033011.1), dbSNP rs1037162967, ClinGen allele CA263540995.

ClinVar aggregate classification (germline): Uncertain significance (1 of 4 stars; one submission).

Conditions:
Methylmalonate semialdehyde dehydrogenase deficiency (MMSDHD). Also called: MMSDH DEFICIENCY. Identifiers: Orphanet 289307, MedGen C3279840, MONDO:0013579, OMIM 614105.

Allele frequency attached by ClinVar (database versions not stated): gnomAD exomes below 0.00001.
gnomAD v4.1: 3 of 1,614,218 alleles (0.00019%); highest among the groups gnomAD compares: East Asian, 0.0045%; no homozygotes.

Submission:

Baylor Genetics
Classification: Uncertain significance for Methylmalonate semialdehyde dehydrogenase deficiency. Last evaluated: 2018-08-14. Review status: criteria provided, single submitter. Criteria: ACMG Guidelines, 2015. Collection method: clinical testing. Allele origin: unknown. Affected: yes.
Comment: This variant was determined to be of uncertain significance according to ACMG Guidelines, 2015 [PMID:25741868].